The following is an entry in ClinVar:

NM_007294.4(BRCA1):c.2403T>G (p.Cys801Trp)

Gene: BRCA1 (BRCA1 DNA repair associated; minus strand). Cytogenetic location: 17q21.31.
Variant type: single nucleotide variant.
Coding change: c.2403T>G on transcript NM_007294.4 (MANE Select); coding-DNA position 2403, T replaced by G.
Protein change: p.Cys801Trp; replaces cysteine 801 with tryptophan.
Molecular consequence: missense variant. On other transcripts: intron variant (137).
Genome position (GRCh38, 1-based): chr17:43,093,128, A>C on the plus strand (T>G on the coding strand, the complement: BRCA1 is on the minus strand). VCF-style: chr17-43093128-A-C. GRCh37 (hg19) VCF-style: chr17-41245145-A-C.
Other names: c.2400T>G, p.Cys800Trp (NM_001407587.1, NM_001407590.1, NM_001407591.1 and 22 more transcripts); c.788-989T>G (NM_001407968.1, NM_001407969.1); c.577+1616T>G (NM_001408492.1, NM_001408513.1, NM_001408484.1 and 9 more transcripts); c.643+1616T>G (NM_001408468.1, NM_001408465.1, NM_001408463.1 and 3 more transcripts); c.2403T>G, p.Cys801Trp (NM_001407596.1, NM_001407597.1, NM_001407593.1 and 30 more transcripts); c.523+1616T>G (NM_001408501.1, NM_001408500.1, NM_001408497.1 and 3 more transcripts); c.646+1616T>G (NM_001408455.1, NM_001408466.1, NM_001408452.1 and 11 more transcripts); c.520+1616T>G (NM_001408503.1, NM_001408505.1, NM_001408504.1); and 41 more; short protein forms C801W, C754W, C674W, C734W, C753W, C760W, C505W, C673W.
Identifiers: ClinVar variation 439440 (VCV000439440.25), dbSNP rs80357381, ClinGen allele CA058591.

ClinVar aggregate classification (germline): Conflicting classifications of pathogenicity. Review status: criteria provided, conflicting classifications (1 of 4 stars). 5 submissions from 5 submitters: Uncertain significance (4); Likely benign (1). Last evaluated 2025-10-29.

Conditions:
Hereditary breast ovarian cancer syndrome. Also called: Hereditary breast and ovarian cancer; Breast and ovarian cancer; Hereditary breast and ovarian cancer syndrome; Hereditary breast and/or ovarian cancer syndrome; BRCA1- and BRCA2-Associated Hereditary Breast and Ovarian Cancer; Hereditary breast and ovarian cancer syndrome (HBOC). Identifiers: Orphanet 145, MedGen C0677776, MeSH D061325, MONDO:0003582. Disease mechanism: loss of function.
Hereditary cancer-predisposing syndrome. Also called: Hereditary Cancer Syndrome; Hereditary neoplastic syndrome; Neoplastic Syndromes, Hereditary; Tumor predisposition. Identifiers: Orphanet 140162, MedGen C0027672, MeSH D009386, MONDO:0015356.

Allele frequency attached by ClinVar (database versions not stated): gnomAD exomes below 0.00001; ExAC 0.00001.
gnomAD v4.1: 1 of 1,613,510 alleles (0.000062%); highest among the groups gnomAD compares: Non-Finnish European, 0.000085%; no homozygotes.

Submissions (5):

Ambry Genetics
Classification: Uncertain significance for Hereditary cancer-predisposing syndrome. Last evaluated: 2025-10-29. Review status: criteria provided, single submitter. Criteria: Ambry Variant Classification Scheme 2023. Collection method: clinical testing. Allele origin: germline.

Labcorp Genetics (formerly Invitae), Labcorp
Classification: Uncertain significance for Hereditary breast ovarian cancer syndrome. Last evaluated: 2025-06-02. Review status: criteria provided, single submitter. Criteria: Invitae Variant Classification Sherloc (09022015). Collection method: clinical testing. Allele origin: germline.
Comment: This sequence change replaces cysteine, which is neutral and slightly polar, with tryptophan, which is neutral and slightly polar, at codon 801 of the BRCA1 protein (p.Cys801Trp). This variant is present in population databases (rs80357381, gnomAD 0.0009%). This missense change has been observed in individual(s) with breast cancer (PMID: 30702160). ClinVar contains an entry for this variant (Variation ID: 439440). Invitae Evidence Modeling of protein sequence and biophysical properties (such as structural, functional, and spatial information, amino acid conservation, physicochemical variation, residue mobility, and thermodynamic stability) indicates that this missense variant is not expected to disrupt BRCA1 protein function with a negative predictive value of 80%. In summary, the available evidence is currently insufficient to determine the role of this variant in disease. Therefore, it has been classified as a Variant of Uncertain Significance.

GeneDx
Classification: Uncertain significance. Last evaluated: 2023-11-06. Review status: criteria provided, single submitter. Criteria: GeneDx Variant Classification Process June 2021. Collection method: clinical testing. Allele origin: germline. Affected: yes.
Comment: Observed in at least one individual from a family with suspected hereditary breast and ovarian cancer (PMID: 34981296); Not observed at significant frequency in large population cohorts (gnomAD); In silico analysis supports that this missense variant has a deleterious effect on protein structure/function; Also known as 2522T>G; This variant is associated with the following publications: (PMID: 31853058, 29884841, 32377563, 15343273, 30702160, 34981296)

University of Washington Department of Laboratory Medicine, University of Washington
Classification: Likely benign for Hereditary cancer-predisposing syndrome. Last evaluated: 2023-03-23. Review status: criteria provided, single submitter. Criteria: Dines et al. (Genet Med. 2020). Collection method: curation. Allele origin: germline.
Comment: Missense variant in a coldspot region where missense variants are very unlikely to be pathogenic (PMID:31911673).

BRCA1 coldspot (exon 11 using historical exon numbering). Reclassification based on statistical prior probability

ARUP Laboratories, Molecular Genetics and Genomics, ARUP Laboratories
Classification: Uncertain significance. Last evaluated: 2016-09-06. Review status: criteria provided, single submitter. Criteria: ARUP Molecular Germline Variant Investigation Process. Collection method: clinical testing. Allele origin: germline.

Literature cited by the submitters: PubMed 30702160 (cited by Labcorp Genetics (formerly Invitae), Labcorp).